The following is an entry in ClinVar:

ClinVar aggregate classification (germline): Pathogenic. Review status: criteria provided, multiple submitters, no conflicts (2 of 4 stars). 4 submissions from 4 submitters: Pathogenic (4). Last evaluated 2026-03-10.

Conditions:
COL1A1-related disorder. Also called: COL1A1- related disease; COL1A1-related condition.
Osteogenesis imperfecta type I (OI1). Also called: Classic Non-deforming Osteogenesis Imperfecta with Blue Sclerae; OI, TYPE I; OSTEOGENESIS IMPERFECTA TARDA; OSTEOGENESIS IMPERFECTA WITH BLUE SCLERAE; Osteogenesis imperfecta type 1; Lobstein's Disease. Identifiers: Orphanet 216796, Orphanet 666, MedGen C0023931, MONDO:0008146, OMIM 166200. Disease mechanism: loss of function.

Submissions (4):

GeneDx
Classification: Pathogenic. Last evaluated: 2026-03-10. Review status: criteria provided, single submitter. Criteria: GeneDx Variant Classification Process June 2021. Collection method: clinical testing. Allele origin: germline.
Comment: Frameshift variant predicted to result in protein truncation or nonsense mediated decay in a gene for which loss of function is a known mechanism of disease; Not observed at significant frequency in large population cohorts (gnomAD); This variant is associated with the following publications: (PMID: 30715774, 37079061, 33726816, 38702915)

Labcorp Genetics (formerly Invitae), Labcorp
Classification: Pathogenic for Osteogenesis imperfecta type I. Last evaluated: 2023-01-28. Review status: criteria provided, single submitter. Criteria: Invitae Variant Classification Sherloc (09022015). Collection method: clinical testing. Allele origin: germline.
Comment: This sequence change creates a premature translational stop signal (p.Gly206Trpfs*2) in the COL1A1 gene. It is expected to result in an absent or disrupted protein product. Loss-of-function variants in COL1A1 are known to be pathogenic (PMID: 7942841, 9295084, 9443882). This variant is not present in population databases (gnomAD no frequency). This premature translational stop signal has been observed in individual(s) with osteogenesis imperfecta (PMID: 30715774). ClinVar contains an entry for this variant (Variation ID: 988554). For these reasons, this variant has been classified as Pathogenic.

Blueprint Genetics
Classification: Pathogenic for COL1A1-related disorders. Last evaluated: 2022-02-07. Review status: criteria provided, single submitter. Criteria: ACMG Guidelines, 2015. Collection method: clinical testing. Allele origin: germline. Affected: yes. Observed: 2 variant alleles.

Clinical Genetics and Genomics, Karolinska University Hospital
Classification: Pathogenic. Last evaluated: 2018-01-23. Review status: criteria provided, single submitter. Criteria: ACMG Guidelines, 2015. Collection method: clinical testing. Allele origin: germline. Affected: yes. Observed: 1 variant allele.

Literature cited by the submitters: PubMed 7942841 (cited by Labcorp Genetics (formerly Invitae), Labcorp); PubMed 9295084 (cited by Labcorp Genetics (formerly Invitae), Labcorp); PubMed 9443882 (cited by Labcorp Genetics (formerly Invitae), Labcorp); PubMed 30715774 (cited by Labcorp Genetics (formerly Invitae), Labcorp).

NM_000088.4(COL1A1):c.614dup (p.Gly206fs)

Gene: COL1A1 (collagen type I alpha 1 chain; minus strand). Cytogenetic location: 17q21.33.
Variant type: Duplication.
Coding change: c.614dup on transcript NM_000088.4 (MANE Select); coding-DNA position 614, one base duplicated (C; older notation c.614dupC).
Protein change: p.Gly206fs; shifts the reading frame from glycine 206.
Molecular consequence: frameshift variant.
Genome position (GRCh38, 1-based): chr17:50,197,977, G duplicated on the plus strand (C on the coding strand, the reverse complement: COL1A1 is on the minus strand); the first of 5 consecutive G bases (chr17:50,197,977-50,197,981); duplicating any one gives the same sequence. VCF-style (leftmost placement, unchanged base first): chr17-50197976-A-AG. GRCh37 (hg19) VCF-style: chr17-48275337-A-AG.
Other names: c.614dup (NM_000088.3); short protein forms G206fs.
Identifiers: ClinVar variation 988554 (VCV000988554.10), dbSNP rs72667033, ClinGen allele CA1139665710.